The following is an entry in ClinVar:

NM_014915.3(ANKRD26):c.3581A>G (p.Lys1194Arg)

Gene: ANKRD26 (ankyrin repeat domain 26; minus strand). Cytogenetic location: 10p12.1.
Variant type: single nucleotide variant.
Coding change: c.3581A>G on transcript NM_014915.3 (MANE Select); coding-DNA position 3581, A replaced by G.
Protein change: p.Lys1194Arg; replaces lysine 1194 with arginine.
Molecular consequence: missense variant.
Genome position (GRCh38, 1-based): chr10:27,034,869, T>C on the plus strand (A>G on the coding strand, the complement: ANKRD26 is on the minus strand). VCF-style: chr10-27034869-T-C. GRCh37 (hg19) VCF-style: chr10-27323798-T-C.
Other names: c.3578A>G, p.Lys1193Arg (NM_001256053.2); short protein forms K1194R, K1193R.
Identifiers: ClinVar variation 4842347 (VCV004842347.1).

ClinVar aggregate classification (germline): Uncertain significance (1 of 4 stars; one submission).

Conditions:
Inborn genetic diseases. Identifiers: MedGen C0950123, MeSH D030342.

gnomAD v4.1: 3 of 1,613,458 alleles (0.00019%); highest among the groups gnomAD compares: Non-Finnish European, 0.00025%; no homozygotes.

Submission:

Ambry Genetics
Classification: Uncertain significance for Inborn genetic diseases. Last evaluated: 2025-12-27. Review status: criteria provided, single submitter. Criteria: Ambry Variant Classification Scheme 2023. Collection method: clinical testing. Allele origin: germline.
Comment: The p.K1194R variant (also known as c.3581A>G), located in coding exon 24 of the ANKRD26 gene, results from an A to G substitution at nucleotide position 3581. The lysine at codon 1194 is replaced by arginine, an amino acid with highly similar properties. This amino acid position is conserved. In addition, this alteration is predicted to be tolerated by in silico analysis. Based on the available evidence, the clinical significance of this variant remains unclear.